The following is an entry in ClinVar:

ClinVar aggregate classification (germline): Likely pathogenic (3 of 4 stars; one submission).

Conditions:
Malignant hyperthermia, susceptibility to, 1 (MHS1). Also called: RYR1-Related Malignant Hyperthermia Susceptibility; Malignant hyperthermia suceptibility 1; Anesthesia related hyperthermia; Malignant hyperpyrexia; Fulminating hyperpyrexia; Pharmacogenic myopathy. Identifiers: Orphanet 423, MedGen C2930980, MONDO:0007783, OMIM 145600.

Submission:

ClinGen Malignant Hyperthermia Susceptibility Variant Curation Expert Panel, ClinGen
Classification: Likely pathogenic for Malignant hyperthermia, susceptibility to, 1. Last evaluated: 2026-04-10. Review status: reviewed by expert panel. Criteria: ClinGen MHS ACMG Specifications V2. Collection method: curation. Allele origin: germline.
Comment: This pathogenicity assessment is relevant only for malignant hyperthermia susceptibility (MHS) inherited in an autosomal dominant pattern. Variants in RYR1 can also cause other myopathies inherited in an autosomal dominant pattern or in an autosomal recessive pattern. Some of these disorders may predispose individuals to malignant hyperthermia. RYR1 variants may also contribute to a malignant hyperthermia reaction in combination with other genetic and non-genetic factors and the clinician needs to consider such factors in making management decisions. This sequence variant predicts a substitution of glutamine with lysine at codon 464 of the RYR1 protein, p.(Gln464Lys). This variant was not present in a large population database (gnomAD v4.1.0) at the time this variant was classified. This variant has been reported in an individual with a personal or family history of an MH episode and a positive in vitro contracture test (IVCT), PS4_Supporting (PMID:41339169). This variant segregated with MHS in five individuals in one family, three of these individuals were also noted to have a myopathy, PP1_Supporting (PMID:41339169). Functional studies in HEK293 cells showed an increased sensitivity to RYR1 agonists, PS3_Moderate (PMID:41339169). This variant resides in a region of RYR1 considered to be a hotspot for pathogenic variants that contribute to MHS, PM1 (PMID: 21118704). A REVEL score >0.85 (0.894) supports a pathogenic status for this variant, PP3_Moderate. This variant has been classified as Likely Pathogenic. Criteria implemented: PS3_Moderate, PS4_Supporting, PM1, PP1_Supporting, PP3_Moderate.

NM_000540.3(RYR1):c.1390C>A (p.Gln464Lys)

Gene: RYR1 (ryanodine receptor 1; plus strand). Cytogenetic location: 19q13.2.
Variant type: single nucleotide variant.
Coding change: c.1390C>A on transcript NM_000540.3 (MANE Select); coding-DNA position 1390, C replaced by A.
Protein change: p.Gln464Lys; replaces glutamine 464 with lysine.
Molecular consequence: missense variant.
Genome position (GRCh38, 1-based): chr19:38,452,964, C>A. VCF-style: chr19-38452964-C-A. GRCh37 (hg19) VCF-style: chr19-38943604-C-A.
Other names: NM_001042723.2:c.1390C>A; c.1390C>A, p.Gln464Lys (NM_001042723.2); short protein forms Q464K.
Identifiers: ClinVar variation 4820220 (VCV004820220.1).